The following is an entry in ClinVar:

ClinVar aggregate classification (germline): Uncertain significance (1 of 4 stars; one submission).

Conditions:
Hereditary cancer-predisposing syndrome. Also called: Tumor predisposition; Neoplastic Syndromes, Hereditary; Hereditary Cancer Syndrome; Hereditary neoplastic syndrome. Identifiers: Orphanet 140162, MedGen C0027672, MeSH D009386, MONDO:0015356.

Submission:

Ambry Genetics
Classification: Uncertain significance for Hereditary cancer-predisposing syndrome. Last evaluated: 2024-08-02. Review status: criteria provided, single submitter. Criteria: Ambry Variant Classification Scheme 2023. Collection method: clinical testing. Allele origin: germline.
Comment: The p.L1547W variant (also known as c.4640T>G), located in coding exon 13 of the BRCA1 gene, results from a T to G substitution at nucleotide position 4640. The leucine at codon 1547 is replaced by tryptophan, an amino acid with similar properties. This amino acid position is conserved. In addition, the in silico prediction for this alteration is inconclusive. Based on the available evidence, the clinical significance of this variant remains unclear.

NM_007294.4(BRCA1):c.4640T>G (p.Leu1547Trp)

Gene: BRCA1 (BRCA1 DNA repair associated; minus strand). Cytogenetic location: 17q21.31.
Variant type: single nucleotide variant.
Coding change: c.4640T>G on transcript NM_007294.4 (MANE Select); coding-DNA position 4640, T replaced by G.
Protein change: p.Leu1547Trp; replaces leucine 1547 with tryptophan.
Molecular consequence: missense variant. On other transcripts: intron variant (3).
Genome position (GRCh38, 1-based): chr17:43,074,366, A>C on the plus strand (T>G on the coding strand, the complement: BRCA1 is on the minus strand). VCF-style: chr17-43074366-A-C. GRCh37 (hg19) VCF-style: chr17-41226383-A-C.
Other names: c.4640T>G, p.Leu1547Trp (NM_001407684.1, NM_001407593.1, NM_001407594.1 and 8 more transcripts); c.4511T>G, p.Leu1504Trp (NM_001407685.1, NM_001407686.1, NM_001407687.1 and 6 more transcripts); c.4508T>G, p.Leu1503Trp (NM_001407690.1, NM_001407691.1); c.4499T>G, p.Leu1500Trp (NM_001407692.1, NM_001407942.1, NM_007297.4 and 13 more transcripts); c.4376T>G, p.Leu1459Trp (NM_001407920.1, NM_001407921.1, NM_001407922.1 and 4 more transcripts); c.4373T>G, p.Leu1458Trp (NM_001407927.1, NM_001407928.1, NM_001407929.1 and 4 more transcripts); c.4370T>G, p.Leu1457Trp (NM_001407934.1, NM_001407935.1, NM_001407936.1); c.4517T>G, p.Leu1506Trp (NM_001407937.1, NM_001407938.1, NM_001407664.1 and 6 more transcripts); and 71 more; short protein forms L1250W, L1434W, L1436W, L1457W, L1458W, L1476W, L1504W, L1505W.
Identifiers: ClinVar variation 3481834 (VCV003481834.1).